The following is an entry in ClinVar:

ClinVar aggregate classification (germline): Uncertain significance (1 of 4 stars; one submission).

Conditions:
Inborn genetic diseases. Identifiers: MedGen C0950123, MeSH D030342.

Submission:

Ambry Genetics
Classification: Uncertain significance for Inborn genetic diseases. Last evaluated: 2026-07-02. Review status: criteria provided, single submitter. Criteria: Ambry Variant Classification Scheme 2023. Collection method: clinical testing. Allele origin: germline.
Comment: The p.P51Q variant (also known as c.152C>A), located in coding exon 1 of the CEBPA gene, results from a C to A substitution at nucleotide position 152. The proline at codon 51 is replaced by glutamine, an amino acid with similar properties. This amino acid position is conserved. In addition, this alteration is predicted to be tolerated by in silico analysis. Based on the available evidence, the clinical significance of this variant remains unclear.

NM_004364.5(CEBPA):c.152C>A (p.Pro51Gln)

Gene: CEBPA (CCAAT enhancer binding protein alpha; minus strand). Cytogenetic location: 19q13.11.
Variant type: single nucleotide variant.
Coding change: c.152C>A on transcript NM_004364.5 (MANE Select); coding-DNA position 152, C replaced by A.
Protein change: p.Pro51Gln; replaces proline 51 with glutamine.
Molecular consequence: missense variant. On other transcripts: 5 prime UTR variant (1).
Genome position (GRCh38, 1-based): chr19:33,302,263, G>T on the plus strand (C>A on the coding strand, the complement: CEBPA is on the minus strand). VCF-style: chr19-33302263-G-T. GRCh37 (hg19) VCF-style: chr19-33793169-G-T.
Other names: c.-206C>A (NM_001285829.2); c.257C>A, p.Pro86Gln (NM_001287424.2); c.110C>A, p.Pro37Gln (NM_001287435.2); short protein forms P51Q, P86Q, P37Q.
Identifiers: ClinVar variation 5034272 (VCV005034272.1).